The following is an entry in ClinVar:

NM_001077653.2(TBX20):c.62C>T (p.Ala21Val)

Gene: TBX20 (T-box transcription factor 20; minus strand). Cytogenetic location: 7p14.2.
Variant type: single nucleotide variant.
Coding change: c.62C>T on transcript NM_001077653.2 (MANE Select); coding-DNA position 62, C replaced by T.
Protein change: p.Ala21Val; replaces alanine 21 with valine.
Molecular consequence: missense variant.
Genome position (GRCh38, 1-based): chr7:35,253,559, G>A on the plus strand (C>T on the coding strand, the complement: TBX20 is on the minus strand). VCF-style: chr7-35253559-G-A. GRCh37 (hg19) VCF-style: chr7-35293170-G-A.
Other names: c.62C>T, p.Ala21Val (NM_001166220.1); short protein forms A21V.
Identifiers: ClinVar variation 2009310 (VCV002009310.4), dbSNP rs1584361753, ClinGen allele CA367265586.

ClinVar aggregate classification (germline): Uncertain significance (1 of 4 stars; one submission).

Submission:

Labcorp Genetics (formerly Invitae), Labcorp
Classification: Uncertain significance. Last evaluated: 2022-09-07. Review status: criteria provided, single submitter. Criteria: Invitae Variant Classification Sherloc (09022015). Collection method: clinical testing. Allele origin: germline.
Comment: This sequence change replaces alanine, which is neutral and non-polar, with valine, which is neutral and non-polar, at codon 21 of the TBX20 protein (p.Ala21Val). This variant is not present in population databases (gnomAD no frequency). This variant has not been reported in the literature in individuals affected with TBX20-related conditions. Algorithms developed to predict the effect of missense changes on protein structure and function (SIFT, PolyPhen-2, Align-GVGD) all suggest that this variant is likely to be disruptive. In summary, the available evidence is currently insufficient to determine the role of this variant in disease. Therefore, it has been classified as a Variant of Uncertain Significance.